The following is an entry in ClinVar:

NM_000038.6(APC):c.450_453del (p.Glu151fs)

Gene: APC (APC regulator of Wnt signaling pathway; plus strand). Cytogenetic location: 5q22.2.
Variant type: Deletion.
Coding change: c.450_453del on transcript NM_000038.6 (MANE Select); coding-DNA positions 450 to 453, 4 bases deleted (AGAA; older notation c.450_453delAGAA).
Protein change: p.Glu151fs; shifts the reading frame from glutamic acid 151.
Molecular consequence: frameshift variant. On other transcripts: 5 prime UTR variant (1).
Genome position (GRCh38, 1-based): chr5:112,775,656-112,775,659, AGAA deleted; deleting any 4 consecutive bases within chr5:112,775,654-112,775,659 gives the same sequence; the c. name uses the placement nearest the transcript's 3' end. VCF-style (leftmost placement, unchanged base first): chr5-112775653-CAAAG-C. GRCh37 (hg19) VCF-style: chr5-112111350-CAAAG-C.
Other names: c.450_453del, p.Glu151fs (NM_001127510.3, NM_001354895.2, NM_001354896.2 and 2 more transcripts); c.480_483del, p.Glu161fs (NM_001127511.3, NM_001354897.2, NM_001354902.2); c.375_378del, p.Glu126fs (NM_001354898.2, NM_001354904.2); c.273_276del, p.Glu92fs (NM_001354900.2, NM_001354901.2, NM_001354905.2); c.-586_-583del (NM_001354906.2); c.450_453delAGAA (NM_000038.5); short protein forms E92fs, E126fs, E151fs, E161fs.
Identifiers: ClinVar variation 217984 (VCV000217984.21), dbSNP rs863225355, ClinGen allele CA279775.

ClinVar aggregate classification (germline): Pathogenic. Review status: criteria provided, multiple submitters, no conflicts (2 of 4 stars). 5 submissions from 5 submitters: Pathogenic (4). 1 of the submissions does not count toward it. Last evaluated 2025-09-09.

Conditions:
Hereditary cancer-predisposing syndrome. Also called: Hereditary Cancer Syndrome; Hereditary neoplastic syndrome; Neoplastic Syndromes, Hereditary; Tumor predisposition. Identifiers: Orphanet 140162, MedGen C0027672, MeSH D009386, MONDO:0015356.
Familial adenomatous polyposis 1 (FAP1). Also called: FAMILIAL ADENOMATOUS POLYPOSIS 1, ATTENUATED; POLYPOSIS, ADENOMATOUS INTESTINAL. Identifiers: MedGen C2713442, MONDO:0021056, OMIM 175100. Disease mechanism: loss of function.

Submissions (5):

Ambry Genetics
Classification: Pathogenic for Hereditary cancer-predisposing syndrome. Last evaluated: 2025-09-09. Review status: criteria provided, single submitter. Criteria: Ambry Variant Classification Scheme 2023. Collection method: clinical testing. Allele origin: germline.
Comment: The c.450_453delAGAA pathogenic mutation, located in coding exon 4 of the APC gene, results from a deletion of 4 nucleotides at nucleotide positions 450 to 453, causing a translational frameshift with a predicted alternate stop codon (p.E151Kfs*18). This variant was reported in individual(s) with features consistent with APC-related familial adenomatous polyposis (Friedl W et al. Gut, 2001 Apr;48:515-21; Ambry internal data). This variant is considered to be rare based on population cohorts in the Genome Aggregation Database (gnomAD). This alteration is expected to result in loss of function by premature protein truncation or nonsense-mediated mRNA decay. As such, this alteration is interpreted as a disease-causing mutation.

Myriad Genetics, Inc.
Classification: Pathogenic for Familial adenomatous polyposis 1. Last evaluated: 2023-04-26. Review status: criteria provided, single submitter. Criteria: Myriad Autosomal Dominant, Autosomal Recessive and X-Linked Classification Criteria (2023). Collection method: clinical testing. Allele origin: unknown.
Comment: This variant is considered pathogenic. This variant creates a frameshift predicted to result in premature protein truncation.

Labcorp Genetics (formerly Invitae), Labcorp
Classification: Pathogenic for Familial adenomatous polyposis 1. Last evaluated: 2020-04-13. Review status: criteria provided, single submitter. Criteria: Invitae Variant Classification Sherloc (09022015). Collection method: clinical testing. Allele origin: germline.
Comment: This variant is not present in population databases (ExAC no frequency). This sequence change creates a premature translational stop signal (p.Glu151Lysfs*18) in the APC gene. It is expected to result in an absent or disrupted protein product. This variant has been observed in individual(s) with clinical features of familial adenomatous polyposis (PMID: 11247896). This variant is also known as 450delAGAA in the literature. ClinVar contains an entry for this variant (Variation ID: 217984). For these reasons, this variant has been classified as Pathogenic. Loss-of-function variants in APC are known to be pathogenic (PMID: 17963004, 20685668).

GeneDx
Classification: Pathogenic. Last evaluated: 2019-12-05. Review status: criteria provided, single submitter. Criteria: GeneDx Variant Classification Process June 2021. Collection method: clinical testing. Allele origin: germline. Affected: yes.
Comment: Frameshift variant predicted to result in protein truncation or nonsense mediated decay in a gene for which loss-of-function is a known mechanism of disease; Not observed in large population cohorts (Lek 2016); This variant is associated with the following publications: (PMID: 11247896, 20223039)

Mayo Clinic Laboratories, Mayo Clinic
Classification: Pathogenic. Review status: no assertion criteria provided. Collection method: research. Allele origin: unknown. Observed: 2 variant alleles. Not counted in ClinVar's aggregate classification.

Literature cited by the submitters: PubMed 11247896 (cited by Ambry Genetics and Labcorp Genetics (formerly Invitae), Labcorp); PubMed 20223039 (cited by Ambry Genetics); PubMed 17963004 (cited by Labcorp Genetics (formerly Invitae), Labcorp); PubMed 20685668 (cited by Labcorp Genetics (formerly Invitae), Labcorp).